The following is an entry in ClinVar:

ClinVar aggregate classification (germline): Likely benign (1 of 4 stars; one submission).

Conditions:
EXPH5-related disorder. Also called: EXPH5-related condition.

gnomAD v4.1: 195 of 1,611,430 alleles (0.012%); highest among the groups gnomAD compares: Non-Finnish European, 0.015%; no homozygotes.

Submission:

PreventionGenetics, part of Exact Sciences
Classification: Likely benign for EXPH5-related condition. Last evaluated: 2025-11-11. Review status: criteria provided, single submitter. Criteria: ACMG Guidelines, 2015. Collection method: clinical testing. Allele origin: germline.
Comment: This variant is classified as likely benign based on ACMG/AMP sequence variant interpretation guidelines (Richards et al. 2015 PMID: 25741868, with internal and published modifications).

NM_015065.3(EXPH5):c.2421A>G (p.Thr807=)

Gene: EXPH5 (exophilin 5; minus strand). Cytogenetic location: 11q22.3.
Variant type: single nucleotide variant.
Coding change: c.2421A>G on transcript NM_015065.3 (MANE Select); coding-DNA position 2421, A replaced by G.
Protein change: p.Thr807=; no amino-acid change (threonine 807 retained).
Molecular consequence: synonymous variant.
Genome position (GRCh38, 1-based): chr11:108,513,086, T>C on the plus strand (A>G on the coding strand, the complement: EXPH5 is on the minus strand). VCF-style: chr11-108513086-T-C. GRCh37 (hg19) VCF-style: chr11-108383813-T-C.
Other names: c.2193A>G, p.Thr731= (NM_001144763.2, NM_001441061.1, NM_001441067.1 and 5 more transcripts); c.1953A>G, p.Thr651= (NM_001144764.2); c.1857A>G, p.Thr619= (NM_001144765.2); c.2400A>G, p.Thr800= (NM_001308019.2); c.2418A>G, p.Thr806= (NM_001441059.1); c.2397A>G, p.Thr799= (NM_001441060.1); c.2190A>G, p.Thr730= (NM_001441073.1, NM_001441074.1, NM_001441075.1); c.1950A>G, p.Thr650= (NM_001441076.1).
Identifiers: ClinVar variation 4981992 (VCV004981992.1).